The following is an entry in ClinVar:

NM_024537.4(CARS2):c.1227dup (p.Ala411fs)

Gene: CARS2 (cysteinyl-tRNA synthetase 2, mitochondrial; minus strand). Cytogenetic location: 13q34.
Variant type: Duplication.
Coding change: c.1227dup on transcript NM_024537.4 (MANE Select); coding-DNA position 1227, one base duplicated (C; older notation c.1227dupC).
Protein change: p.Ala411fs; shifts the reading frame from alanine 411.
Molecular consequence: frameshift variant. On other transcripts: non-coding transcript variant (2).
Genome position (GRCh38, 1-based): chr13:110,646,057, G duplicated on the plus strand (C on the coding strand, the reverse complement: CARS2 is on the minus strand); the first of 2 consecutive G bases (chr13:110,646,057-110,646,058); duplicating either gives the same sequence. VCF-style (leftmost placement, unchanged base first): chr13-110646056-A-AG. GRCh37 (hg19) VCF-style: chr13-111298403-A-AG.
Other names: c.441dup, p.Ala149fs (NM_001352252.2); short protein forms A149fs, A411fs.
Identifiers: ClinVar variation 1363918 (VCV001363918.6), dbSNP rs2139679613, ClinGen allele CA2573149497.

ClinVar aggregate classification (germline): Uncertain significance (1 of 4 stars; one submission).

Conditions:
Combined oxidative phosphorylation defect type 27. Also called: Combined oxidative phosphorylation deficiency 27. Identifiers: Orphanet 477774, MedGen C5567608, MONDO:0014728, OMIM 616672.

Submission:

Labcorp Genetics (formerly Invitae), Labcorp
Classification: Uncertain significance for Combined oxidative phosphorylation defect type 27. Last evaluated: 2022-03-19. Review status: criteria provided, single submitter. Criteria: Invitae Variant Classification Sherloc (09022015). Collection method: clinical testing. Allele origin: germline.
Comment: This sequence change creates a premature translational stop signal (p.Ala411Glyfs*3) in the CARS2 gene. It is expected to result in an absent or disrupted protein product. However, the current clinical and genetic evidence is not sufficient to establish whether loss-of-function variants in CARS2 cause disease. This variant is not present in population databases (gnomAD no frequency). This variant has not been reported in the literature in individuals affected with CARS2-related conditions. In summary, the available evidence is currently insufficient to determine the role of this variant in disease. Therefore, it has been classified as a Variant of Uncertain Significance.